The following is an entry in ClinVar:

NM_145167.3(PIGM):c.254C>G (p.Thr85Ser)

Gene: PIGM (phosphatidylinositol glycan anchor biosynthesis class M; minus strand). Cytogenetic location: 1q23.2.
Variant type: single nucleotide variant.
Coding change: c.254C>G on transcript NM_145167.3 (MANE Select); coding-DNA position 254, C replaced by G.
Protein change: p.Thr85Ser; replaces threonine 85 with serine.
Molecular consequence: missense variant.
Genome position (GRCh38, 1-based): chr1:160,031,486, G>C on the plus strand (C>G on the coding strand, the complement: PIGM is on the minus strand). VCF-style: chr1-160031486-G-C. GRCh37 (hg19) VCF-style: chr1-160001276-G-C.
Other names: short protein forms T85S.
Identifiers: ClinVar variation 2164907 (VCV002164907.4), dbSNP rs745770437, ClinGen allele CA1193085.
Genomic context (GRCh38, chr1:160,031,486, plus strand): 5'-AGGAGGTCGCAGCTGATGAAGAGAAACTTTCCAAAGAGCTCGCTGAGGTAGATGTTGGGA[G>C]TGAGGAGCCAACCCAGCAGCGGGGTGTAACGGTACGTGGCTCTCAGGTAAGGCGAGCGCC-3'
Protein context (NP_660150.1, residues 75-95): RYTPLLGWLL[Thr85Ser]PNIYLSELFG

ClinVar aggregate classification (germline): Uncertain significance (1 of 4 stars; one submission).

Conditions:
Hypercoagulability syndrome due to glycosylphosphatidylinositol deficiency (GPIBD1). Also called: GLYCOSYLPHOSPHATIDYLINOSITOL BIOSYNTHESIS DEFECT 1. Identifiers: Orphanet 83639, MedGen C5201145, MONDO:0012465, OMIM 610293.

Allele frequency attached by ClinVar (database versions not stated): gnomAD exomes below 0.00001; ExAC 0.00001.

Submission:

Labcorp Genetics (formerly Invitae), Labcorp
Classification: Uncertain significance for Hypercoagulability syndrome due to glycosylphosphatidylinositol deficiency. Last evaluated: 2023-03-23. Review status: criteria provided, single submitter. Criteria: Invitae Variant Classification Sherloc (09022015). Collection method: clinical testing. Allele origin: germline.
Comment: ClinVar contains an entry for this variant (Variation ID: 2164907). Advanced modeling of protein sequence and biophysical properties (such as structural, functional, and spatial information, amino acid conservation, physicochemical variation, residue mobility, and thermodynamic stability) performed at Invitae indicates that this missense variant is not expected to disrupt PIGM protein function. In summary, the available evidence is currently insufficient to determine the role of this variant in disease. Therefore, it has been classified as a Variant of Uncertain Significance. This sequence change replaces threonine, which is neutral and polar, with serine, which is neutral and polar, at codon 85 of the PIGM protein (p.Thr85Ser). This variant has not been reported in the literature in individuals affected with PIGM-related conditions. This variant is present in population databases (rs745770437, gnomAD 0.003%).